The following is an entry in ClinVar:

ClinVar aggregate classification (germline): Uncertain significance (1 of 4 stars; one submission).

Submission:

GeneDx
Classification: Uncertain significance. Last evaluated: 2024-07-31. Review status: criteria provided, single submitter. Criteria: GeneDx Variant Classification Process June 2021. Collection method: clinical testing. Allele origin: germline. Affected: yes.
Comment: Not observed at significant frequency in large population cohorts (gnomAD); In silico analysis supports that this missense variant has a deleterious effect on protein structure/function; Has not been previously published as pathogenic or benign to our knowledge

NM_005548.3(KARS1):c.1132C>T (p.Pro378Ser)

Gene: KARS1 (lysyl-tRNA synthetase 1; minus strand). Cytogenetic location: 16q23.1.
Variant type: single nucleotide variant.
Coding change: c.1132C>T on transcript NM_005548.3 (MANE Select); coding-DNA position 1132, C replaced by T.
Protein change: p.Pro378Ser; replaces proline 378 with serine.
Molecular consequence: missense variant.
Genome position (GRCh38, 1-based): chr16:75,631,536, G>A on the plus strand (C>T on the coding strand, the complement: KARS1 is on the minus strand). VCF-style: chr16-75631536-G-A. GRCh37 (hg19) VCF-style: chr16-75665434-G-A.
Other names: c.1216C>T, p.Pro406Ser (NM_001130089.2); c.664C>T, p.Pro222Ser (NM_001378148.1); short protein forms P222S, P378S, P406S.
Identifiers: ClinVar variation 3602405 (VCV003602405.1).